The following is an entry in ClinVar:

NM_000276.4(OCRL):c.263G>A (p.Gly88Glu)

Gene: OCRL (OCRL inositol polyphosphate-5-phosphatase; plus strand). Cytogenetic location: Xq26.1.
Variant type: single nucleotide variant.
Coding change: c.263G>A on transcript NM_000276.4 (MANE Select); coding-DNA position 263, G replaced by A.
Protein change: p.Gly88Glu; replaces glycine 88 with glutamic acid.
Molecular consequence: missense variant.
Genome position (GRCh38, 1-based): chrX:129,557,349, G>A. VCF-style: chrX-129557349-G-A. GRCh37 (hg19) VCF-style: chrX-128691326-G-A.
Other names: c.266G>A, p.Gly89Glu (NM_001318784.2); c.263G>A, p.Gly88Glu (NM_001587.4); short protein forms G88E, G89E.
Identifiers: ClinVar variation 3062354 (VCV003062354.1), dbSNP rs2521872999, ClinGen allele CA414550825.

ClinVar aggregate classification (germline): Uncertain significance (1 of 4 stars; one submission).

Conditions:
Intellectual developmental disorder, autosomal dominant 65. Also called: MENTAL RETARDATION, AUTOSOMAL DOMINANT 65. Identifiers: MedGen C5543371, MONDO:0023657, OMIM 619320.

Submission:

Institute of Human Genetics, FAU Erlangen, Friedrich-Alexander-Universität Erlangen-Nürnberg
Classification: Uncertain significance for Intellectual developmental disorder, autosomal dominant 65. Last evaluated: 2024-03-26. Review status: criteria provided, single submitter. Criteria: Hauer et al. (Genet Med. 2018). Collection method: clinical testing. Allele origin: germline. Inheritance: X-linked recessive inheritance. Affected: yes. Observed: 1 variant allele.
Comment: This variant has been identified by standard clinical testing.